The following is an entry in ClinVar:

ClinVar aggregate classification (germline): Uncertain significance (1 of 4 stars; one submission).

gnomAD v4.1: 2 of 1,613,734 alleles (0.00012%); highest among the groups gnomAD compares: Non-Finnish European, 0.00017%; no homozygotes.

Submission:

Labcorp Genetics (formerly Invitae), Labcorp
Classification: Uncertain significance. Last evaluated: 2024-06-04. Review status: criteria provided, single submitter. Criteria: Invitae Variant Classification Sherloc (09022015). Collection method: clinical testing. Allele origin: germline.
Comment: This sequence change replaces glutamine, which is neutral and polar, with arginine, which is basic and polar, at codon 629 of the FN1 protein (p.Gln629Arg). This variant is not present in population databases (gnomAD no frequency). This variant has not been reported in the literature in individuals affected with FN1-related conditions. Advanced modeling of protein sequence and biophysical properties (such as structural, functional, and spatial information, amino acid conservation, physicochemical variation, residue mobility, and thermodynamic stability) has been performed at Invitae for this missense variant, however the output from this modeling did not meet the statistical confidence thresholds required to predict the impact of this variant on FN1 protein function. In summary, the available evidence is currently insufficient to determine the role of this variant in disease. Therefore, it has been classified as a Variant of Uncertain Significance.

NM_212482.4(FN1):c.1886A>G (p.Gln629Arg)

Gene: FN1 (fibronectin 1; minus strand). Cytogenetic location: 2q35.
Variant type: single nucleotide variant.
Coding change: c.1886A>G on transcript NM_212482.4 (MANE Select); coding-DNA position 1886, A replaced by G.
Protein change: p.Gln629Arg; replaces glutamine 629 with arginine.
Molecular consequence: missense variant.
Genome position (GRCh38, 1-based): chr2:215,414,892, T>C on the plus strand (A>G on the coding strand, the complement: FN1 is on the minus strand). VCF-style: chr2-215414892-T-C. GRCh37 (hg19) VCF-style: chr2-216279615-T-C.
Other names: c.1886A>G, p.Gln629Arg (NM_001306129.2, NM_001306130.2, NM_001306131.2 and 14 more transcripts); short protein forms Q629R.
Identifiers: ClinVar variation 3654148 (VCV003654148.2).
Genomic context (GRCh38, chr2:215,414,892, plus strand): 5'-CTCACAGGTCTCCACCTGAGAATGTACTTGGAAATGTGAGATGGCTGTGGTGCATTCCAC[T>C]GGATGGGGTGGGAGTTGGGCTGACTCGGAGTCTCAGTGATAAATACTTCGACAGGACCAC-3'
Protein context (NP_997647.2, residues 619-639): TPSQPNSHPI[Gln629Arg]WNAPQPSHIS